The following is an entry in ClinVar:

ClinVar aggregate classification (germline): Uncertain significance. Review status: criteria provided, multiple submitters, no conflicts (2 of 4 stars). 2 submissions from 2 submitters: Uncertain significance (2). Last evaluated 2025-10-03.

Conditions:
Dermatofibrosis lenticularis disseminata (BOS). Also called: DERMATOFIBROSIS LENTICULARIS DISSEMINATA WITH OSTEOPOIKILOSIS; DERMATOOSTEOPOIKILOSIS; OSTEOPATHIA CONDENSANS DISSEMINATA. Identifiers: Orphanet 1306, MedGen C0265514, MONDO:0008157, OMIM 166700.

Allele frequency attached by ClinVar (database versions not stated): TOPMed 0.00008.
gnomAD v4.1: 102 of 1,599,452 alleles (0.0064%); highest among the groups gnomAD compares: Admixed American, 0.01%; no homozygotes.

Submissions (2):

Labcorp Genetics (formerly Invitae), Labcorp
Classification: Uncertain significance. Last evaluated: 2025-10-03. Review status: criteria provided, single submitter. Criteria: Invitae Variant Classification Sherloc (09022015). Collection method: clinical testing. Allele origin: germline.
Comment: This sequence change replaces aspartic acid, which is acidic and polar, with alanine, which is neutral and non-polar, at codon 544 of the LEMD3 protein (p.Asp544Ala). This variant is present in population databases (rs774273011, gnomAD 0.04%), and has an allele count higher than expected for a pathogenic variant. This variant has not been reported in the literature in individuals affected with LEMD3-related conditions. ClinVar contains an entry for this variant (Variation ID: 881097). Invitae Evidence Modeling of protein sequence and biophysical properties (such as structural, functional, and spatial information, amino acid conservation, physicochemical variation, residue mobility, and thermodynamic stability) indicates that this missense variant is not expected to disrupt LEMD3 protein function with a negative predictive value of 80%. In summary, the available evidence is currently insufficient to determine the role of this variant in disease. Therefore, it has been classified as a Variant of Uncertain Significance.

Illumina Laboratory Services, Illumina
Classification: Uncertain significance for Dermatofibrosis lenticularis disseminata. Last evaluated: 2018-01-12. Review status: criteria provided, single submitter. Criteria: ICSL Variant Classification Criteria 13 December 2019. Collection method: clinical testing. Allele origin: germline.

NM_014319.5(LEMD3):c.1631A>C (p.Asp544Ala)

Gene: LEMD3 (LEM domain containing 3; plus strand). Cytogenetic location: 12q14.3.
Variant type: single nucleotide variant.
Coding change: c.1631A>C on transcript NM_014319.5 (MANE Select); coding-DNA position 1631, A replaced by C.
Protein change: p.Asp544Ala; replaces aspartic acid 544 with alanine.
Molecular consequence: missense variant.
Genome position (GRCh38, 1-based): chr12:65,218,555, A>C. VCF-style: chr12-65218555-A-C. GRCh37 (hg19) VCF-style: chr12-65612335-A-C.
Other names: c.1628A>C, p.Asp543Ala (NM_001167614.2); short protein forms D544A, D543A.
Identifiers: ClinVar variation 881097 (VCV000881097.9), dbSNP rs774273011, ClinGen allele CA6670985.